The following is an entry in ClinVar:

NM_173598.6(KSR2):c.696C>T (p.Tyr232=)

Gene: KSR2 (kinase suppressor of ras 2; minus strand). Cytogenetic location: 12q24.23.
Variant type: single nucleotide variant.
Coding change: c.696C>T on transcript NM_173598.6 (MANE Select); coding-DNA position 696, C replaced by T.
Protein change: p.Tyr232=; no amino-acid change (tyrosine 232 retained).
Molecular consequence: synonymous variant.
Genome position (GRCh38, 1-based): chr12:117,761,301, G>A on the plus strand (C>T on the coding strand, the complement: KSR2 is on the minus strand). VCF-style: chr12-117761301-G-A. GRCh37 (hg19) VCF-style: chr12-118199106-G-A.
Identifiers: ClinVar variation 3354985 (VCV003354985.1).
Genomic context (GRCh38, chr12:117,761,301, plus strand): 5'-GGGCGATGGGGGCAGGGAACGGTGGCCCGACTCCAGTGGCGGGGGCGGGCACAAGCCCGG[G>A]TAGGCGTCCACGGTAAGCCTGTCCACGTGGGTGTACACAGGGGCCCCGGGAGTGGGGCTG-3'
Protein context (NP_775869.4, residues 222-242): THVDRLTVDA[Tyr232=]PGLCPPPPLE

ClinVar aggregate classification (germline): Likely benign (0 of 4 stars; one submission).

Conditions:
KSR2-related disorder. Also called: KSR2-related condition.

gnomAD v4.1: 1 of 1,523,380 alleles (0.000066%); highest among the groups gnomAD compares: Non-Finnish European, 0.000088%; no homozygotes.

Submission:

PreventionGenetics, part of Exact Sciences
Classification: Likely benign for KSR2-related condition. Last evaluated: 2021-09-20. Review status: no assertion criteria provided. Collection method: clinical testing. Allele origin: germline.
Comment: This variant is classified as likely benign based on ACMG/AMP sequence variant interpretation guidelines (Richards et al. 2015 PMID: 25741868, with internal and published modifications).